The following is an entry in ClinVar:

NM_006231.4(POLE):c.2596T>C (p.Cys866Arg)

Gene: POLE (DNA polymerase epsilon, catalytic subunit; minus strand). Cytogenetic location: 12q24.33.
Variant type: single nucleotide variant.
Coding change: c.2596T>C on transcript NM_006231.4 (MANE Select); coding-DNA position 2596, T replaced by C.
Protein change: p.Cys866Arg; replaces cysteine 866 with arginine.
Molecular consequence: missense variant.
Genome position (GRCh38, 1-based): chr12:132,664,114, A>G on the plus strand (T>C on the coding strand, the complement: POLE is on the minus strand). VCF-style: chr12-132664114-A-G. GRCh37 (hg19) VCF-style: chr12-133240700-A-G.
Other names: short protein forms C866R.
Identifiers: ClinVar variation 4841347 (VCV004841347.1).

ClinVar aggregate classification (germline): Uncertain significance (1 of 4 stars; one submission).

Conditions:
Hereditary cancer-predisposing syndrome. Also called: Neoplastic Syndromes, Hereditary; Tumor predisposition; Hereditary Cancer Syndrome; Hereditary neoplastic syndrome. Identifiers: Orphanet 140162, MedGen C0027672, MeSH D009386, MONDO:0015356.

Submission:

Ambry Genetics
Classification: Uncertain significance for Hereditary cancer-predisposing syndrome. Last evaluated: 2026-02-13. Review status: criteria provided, single submitter. Criteria: Ambry Variant Classification Scheme 2023. Collection method: clinical testing. Allele origin: germline.
Comment: The p.C866R variant (also known as c.2596T>C), located in coding exon 23 of the POLE gene, results from a T to C substitution at nucleotide position 2596. The cysteine at codon 866 is replaced by arginine, an amino acid with highly dissimilar properties. This amino acid position is highly conserved in available vertebrate species. In addition, this alteration is predicted to be deleterious by in silico analysis. Based on the available evidence, the clinical significance of this variant remains unclear.